The following is an entry in ClinVar:

NM_017654.4(SAMD9):c.890G>A (p.Ser297Asn)

Gene: SAMD9 (sterile alpha motif domain containing 9; minus strand). Cytogenetic location: 7q21.2.
Variant type: single nucleotide variant.
Coding change: c.890G>A on transcript NM_017654.4 (MANE Select); coding-DNA position 890, G replaced by A.
Protein change: p.Ser297Asn; replaces serine 297 with asparagine.
Molecular consequence: missense variant.
Genome position (GRCh38, 1-based): chr7:93,105,208, C>T on the plus strand (G>A on the coding strand, the complement: SAMD9 is on the minus strand). VCF-style: chr7-93105208-C-T. GRCh37 (hg19) VCF-style: chr7-92734521-C-T.
Other names: c.890G>A, p.Ser297Asn (NM_001193307.2); short protein forms S297N.
Identifiers: ClinVar variation 3791987 (VCV003791987.1).

ClinVar aggregate classification (germline): Uncertain significance (1 of 4 stars; one submission).

Conditions:
Inborn genetic diseases. Identifiers: MedGen C0950123, MeSH D030342.

Submission:

Ambry Genetics
Classification: Uncertain significance for Inborn genetic diseases. Last evaluated: 2025-01-09. Review status: criteria provided, single submitter. Criteria: Ambry Variant Classification Scheme 2023. Collection method: clinical testing. Allele origin: germline.
Comment: The p.S297N variant (also known as c.890G>A), located in coding exon 1 of the SAMD9 gene, results from a G to A substitution at nucleotide position 890. The serine at codon 297 is replaced by asparagine, an amino acid with highly similar properties. This amino acid position is conserved. In addition, this alteration is predicted to be tolerated by in silico analysis. Based on the available evidence, the clinical significance of this variant remains unclear.